The following is an entry in ClinVar:

NM_020877.5(DNAH2):c.8398+5G>A

Gene: DNAH2 (dynein axonemal heavy chain 2; plus strand). Cytogenetic location: 17p13.1.
Variant type: single nucleotide variant.
Coding change: c.8398+5G>A on transcript NM_020877.5 (MANE Select); 5 bases into the intron after coding-DNA position 8398, G replaced by A.
Molecular consequence: intron variant.
Genome position (GRCh38, 1-based): chr17:7,798,329, G>A. VCF-style: chr17-7798329-G-A. GRCh37 (hg19) VCF-style: chr17-7701647-G-A.
Identifiers: ClinVar variation 5005825 (VCV005005825.2).

ClinVar aggregate classification (germline): Uncertain significance (1 of 4 stars; one submission).

Conditions:
Spermatogenic failure 45. Identifiers: MedGen C5436791, MONDO:0033671, OMIM 619094.

gnomAD v4.1: 4 of 1,605,390 alleles (0.00025%); highest among the groups gnomAD compares: East Asian, 0.0022%; no homozygotes.

Submission:

Juno Genomics, Hangzhou Juno Genomics, Inc
Classification: Uncertain significance for Spermatogenic failure 45. Review status: criteria provided, single submitter. Criteria: ACMG Guidelines, 2015. Collection method: clinical testing. Allele origin: germline.
Comment: Absent from controls (or at extremely low frequency if recessive) in Genome Aggregation Database.